The following is an entry in ClinVar:

ClinVar aggregate classification (germline): Likely benign (0 of 4 stars; one submission).

Conditions:
HEY1-related disorder. Also called: HEY1-related condition.

Allele frequency attached by ClinVar (database versions not stated): ESP Exome Variant Server 0.00069; 1000 Genomes Project 0.00180; 1000 Genomes Project 30x 0.00187.
gnomAD v4.1: 199 of 1,614,226 alleles (0.012%); highest among the groups gnomAD compares: African/African-American, 0.22%; no homozygotes.

Submission:

PreventionGenetics, part of Exact Sciences
Classification: Likely benign for HEY1-related condition. Last evaluated: 2019-10-28. Review status: no assertion criteria provided. Collection method: clinical testing. Allele origin: germline.
Comment: This variant is classified as likely benign based on ACMG/AMP sequence variant interpretation guidelines (Richards et al. 2015 PMID: 25741868, with internal and published modifications).

NM_012258.4(HEY1):c.396A>C (p.Ala132=)

Gene: HEY1 (hes related family bHLH transcription factor with YRPW motif 1; minus strand). Cytogenetic location: 8q21.13.
Variant type: single nucleotide variant.
Coding change: c.396A>C on transcript NM_012258.4 (MANE Select); coding-DNA position 396, A replaced by C.
Protein change: p.Ala132=; no amino-acid change (alanine 132 retained).
Molecular consequence: synonymous variant.
Genome position (GRCh38, 1-based): chr8:79,765,707, T>G on the plus strand (A>C on the coding strand, the complement: HEY1 is on the minus strand). VCF-style: chr8-79765707-T-G. GRCh37 (hg19) VCF-style: chr8-80677942-T-G.
Other names: c.408A>C, p.Ala136= (NM_001040708.2); c.126A>C, p.Ala42= (NM_001282851.2).
Identifiers: ClinVar variation 3046066 (VCV003046066.2), dbSNP rs79250162, ClinGen allele CA4789702.
Genomic context (GRCh38, chr8:79,765,707, plus strand): 5'-AACTCGAAGCGGGTCAGAGGCATCTAGTCCTTCAATGATGCTCAGATAACGCGCAACTTC[T>G]GCCAGGCATTCCCGAAATCCCAAACTCCGATAGTCCATAGCAAGGGCGTGCGCGTCAAAG-3'
Protein context (NP_036390.3, residues 122-142): YRSLGFRECL[Ala132=]EVARYLSIIE